The following is an entry in ClinVar:

NM_001271.4(CHD2):c.1032dup (p.Glu345fs)

Gene: CHD2 (chromodomain helicase DNA binding protein 2; plus strand). Cytogenetic location: 15q26.1.
Variant type: Duplication.
Coding change: c.1032dup on transcript NM_001271.4 (MANE Select); coding-DNA position 1032, one base duplicated (A; older notation c.1032dupA).
Protein change: p.Glu345fs; shifts the reading frame from glutamic acid 345.
Molecular consequence: frameshift variant.
Genome position (GRCh38, 1-based): chr15:92,943,048, A duplicated; the last of 6 consecutive A bases (chr15:92,943,043-92,943,048); duplicating any one gives the same sequence. VCF-style (leftmost placement, unchanged base first): chr15-92943042-G-GA. GRCh37 (hg19) VCF-style: chr15-93486272-G-GA.
Other names: c.1032dup, p.Glu345fs (NM_001042572.3); short protein forms E345fs.
Identifiers: ClinVar variation 1402168 (VCV001402168.6), dbSNP rs2053406905, ClinGen allele CA2196356956.

ClinVar aggregate classification (germline): Pathogenic (1 of 4 stars; one submission).

Conditions:
Developmental and epileptic encephalopathy 94 (DEE94). Also called: Epileptic encephalopathy, childhood-onset; CHD2-Related Neurodevelopmental Disorders. Identifiers: Orphanet 1942, Orphanet 2382, MedGen C3809278, MONDO:0014150, OMIM 615369.

Submission:

Labcorp Genetics (formerly Invitae), Labcorp
Classification: Pathogenic for Developmental and epileptic encephalopathy 94. Last evaluated: 2021-10-11. Review status: criteria provided, single submitter. Criteria: Invitae Variant Classification Sherloc (09022015). Collection method: clinical testing. Allele origin: germline.
Comment: For these reasons, this variant has been classified as Pathogenic. This variant has not been reported in the literature in individuals affected with CHD2-related conditions. This variant is not present in population databases (ExAC no frequency). This sequence change creates a premature translational stop signal (p.Glu345Argfs*14) in the CHD2 gene. It is expected to result in an absent or disrupted protein product. Loss-of-function variants in CHD2 are known to be pathogenic (PMID: 23708187, 24207121).

Literature cited by the submitters: PubMed 23708187; PubMed 24207121.